The following is an entry in ClinVar:

NM_001148.6(ANK2):c.9094A>G (p.Lys3032Glu)

Gene: ANK2 (ankyrin 2; plus strand). Cytogenetic location: 4q26.
Variant type: single nucleotide variant.
Coding change: c.9094A>G on transcript NM_001148.6 (MANE Select); coding-DNA position 9094, A replaced by G.
Protein change: p.Lys3032Glu; replaces lysine 3032 with glutamic acid.
Molecular consequence: missense variant. On other transcripts: intron variant (68).
Genome position (GRCh38, 1-based): chr4:113,357,712, A>G. VCF-style: chr4-113357712-A-G. GRCh37 (hg19) VCF-style: chr4-114278868-A-G.
Other names: c.8860A>G, p.Lys2954Glu (NM_001386142.1); c.5494A>G, p.Lys1832Glu (NM_001386166.1); c.9235A>G, p.Lys3079Glu (NM_001386174.1); c.9211A>G, p.Lys3071Glu (NM_001386175.1); c.4412-3111A>G (NM_001386186.2, NM_001386148.2); c.4214-3111A>G (NM_001354269.3); c.4292-3111A>G (NM_001386187.2); c.4253-3111A>G (NM_001386147.1); and 35 more; short protein forms K1832E, K2954E, K3032E, K3071E, K3079E.
Identifiers: ClinVar variation 2497817 (VCV002497817.1), dbSNP rs2505924952, ClinGen allele CA357936574.

ClinVar aggregate classification (germline): Uncertain significance (1 of 4 stars; one submission).

Submission:

GeneDx
Classification: Uncertain significance. Last evaluated: 2022-10-07. Review status: criteria provided, single submitter. Criteria: GeneDx Variant Classification Process June 2021. Collection method: clinical testing. Allele origin: germline. Affected: yes.
Comment: Not observed at significant frequency in large population cohorts (gnomAD); In silico analysis supports that this missense variant does not alter protein structure/function; Has not been previously published as pathogenic or benign to our knowledge